The following is an entry in ClinVar:

NM_001130021.3(ATP6V0A1):c.1505T>C (p.Leu502Pro)

Gene: ATP6V0A1 (ATPase H+ transporting V0 subunit a1; plus strand). Cytogenetic location: 17q21.2.
Variant type: single nucleotide variant.
Coding change: c.1505T>C on transcript NM_001130021.3 (MANE Select); coding-DNA position 1505, T replaced by C.
Protein change: p.Leu502Pro; replaces leucine 502 with proline.
Molecular consequence: missense variant. On other transcripts: intron variant (1).
Genome position (GRCh38, 1-based): chr17:42,495,661, T>C. VCF-style: chr17-42495661-T-C. GRCh37 (hg19) VCF-style: chr17-40647679-T-C.
Other names: c.1526T>C, p.Leu509Pro (NM_001130020.3, NM_001378522.1, NM_001378523.1 and 3 more transcripts); c.1628T>C, p.Leu543Pro (NM_001378530.1, NM_001378533.1, NM_001378551.1 and 1 more transcripts); c.1649T>C, p.Leu550Pro (NM_001378531.1, NM_001378532.1); c.1505T>C, p.Leu502Pro (NM_001378535.1, NM_001378537.1, NM_001378542.1 and 3 more transcripts); c.1397T>C, p.Leu466Pro (NM_001378536.1, NM_001378550.1, NM_001378556.1); c.1376T>C, p.Leu459Pro (NM_001378538.1, NM_001378540.1); c.1346T>C, p.Leu449Pro (NM_001378543.1); c.1295T>C, p.Leu432Pro (NM_001378545.1, NM_001378554.1); and 3 more; short protein forms L431P, L432P, L442P, L449P, L459P, L466P, L502P, L509P.
Identifiers: ClinVar variation 3766182 (VCV003766182.1).

ClinVar aggregate classification (germline): Uncertain significance (1 of 4 stars; one submission).

Submission:

GeneDx
Classification: Uncertain significance. Last evaluated: 2024-09-03. Review status: criteria provided, single submitter. Criteria: GeneDx Variant Classification Process June 2021. Collection method: clinical testing. Allele origin: germline. Affected: yes.
Comment: Reported as a de novo variant in a large cohort study of patients with neurodevelopmental disorders; however, detailed clinical information was not provided (PMID: 33057194); In silico analysis supports that this missense variant has a deleterious effect on protein structure/function; Not observed at significant frequency in large population cohorts (gnomAD); This variant is associated with the following publications: (PMID: 33057194, 35982159)